The following is an entry in ClinVar:

NM_001134407.3(GRIN2A):c.*2586C>T

Gene: GRIN2A (glutamate ionotropic receptor NMDA type subunit 2A; minus strand). Cytogenetic location: 16p13.2.
Variant type: single nucleotide variant.
Coding change: c.*2586C>T on transcript NM_001134407.3 (MANE Select); 2586 bases downstream of the stop codon, C replaced by T.
Molecular consequence: 3 prime UTR variant.
Genome position (GRCh38, 1-based): chr16:9,760,563, G>A on the plus strand (C>T on the coding strand, the complement: GRIN2A is on the minus strand). VCF-style: chr16-9760563-G-A. GRCh37 (hg19) VCF-style: chr16-9854420-G-A.
Other names: c.*2586C>T (NM_000833.5); c.*2792C>T (NM_001134408.2).
Identifiers: ClinVar variation 886114 (VCV000886114.4), dbSNP rs181616477, ClinGen allele CA277533461.

ClinVar aggregate classification (germline): Likely benign (1 of 4 stars; one submission).

Conditions:
Landau-Kleffner syndrome (FESD). Also called: APHASIA, ACQUIRED, WITH EPILEPSY; EPILEPSY, FOCAL, WITH SPEECH DISORDER AND WITH OR WITHOUT MENTAL RETARDATION. Identifiers: Orphanet 1945, Orphanet 725, Orphanet 98818, MedGen C0282512, MONDO:0009509, OMIM 245570.

Allele frequency attached by ClinVar (database versions not stated): gnomAD exomes 0.00095; gnomAD 0.00102 and 0.00095; 1000 Genomes Project 30x 0.00062; TOPMed 0.00107; 1000 Genomes Project 0.00080.
gnomAD v4.1: 208 of 218,304 alleles (0.095%); highest among the groups gnomAD compares: African/African-American, 0.22%; no homozygotes.

Submission:

Illumina Laboratory Services, Illumina
Classification: Likely benign for Landau-Kleffner syndrome. Last evaluated: 2018-01-13. Review status: criteria provided, single submitter. Criteria: ICSL Variant Classification Criteria 13 December 2019. Collection method: clinical testing. Allele origin: germline.
Comment: This variant was observed in the ICSL laboratory as part of a predisposition screen in an ostensibly healthy population. It had not been previously curated by ICSL or reported in the Human Gene Mutation Database (HGMD: prior to June 1st, 2018), and was therefore a candidate for classification through an automated scoring system. Utilizing variant allele frequency, disease prevalence and penetrance estimates, and inheritance mode, an automated score was calculated to assess if this variant is too frequent to cause the disease. Based on the score and internal cut-off values, a variant classified as likely benign is not then subjected to further curation. The score for this variant resulted in a classification of likely benign for this disease.